The following is an entry in ClinVar:

NM_000327.4(ROM1):c.671C>T (p.Pro224Leu)

Gene: ROM1 (retinal outer segment membrane protein 1; plus strand). Cytogenetic location: 11q12.3.
Variant type: single nucleotide variant.
Coding change: c.671C>T on transcript NM_000327.4 (MANE Select); coding-DNA position 671, C replaced by T.
Protein change: p.Pro224Leu; replaces proline 224 with leucine.
Molecular consequence: missense variant.
Genome position (GRCh38, 1-based): chr11:62,614,338, C>T. VCF-style: chr11-62614338-C-T. GRCh37 (hg19) VCF-style: chr11-62381810-C-T.
Other names: short protein forms P224L.
Identifiers: ClinVar variation 939245 (VCV000939245.8), dbSNP rs781488213, ClinGen allele CA6049807.

ClinVar aggregate classification (germline): Uncertain significance. Review status: criteria provided, multiple submitters, no conflicts (2 of 4 stars). 4 submissions from 3 submitters: Uncertain significance (4). Last evaluated 2025-12-15.

Conditions:
Retinal dystrophy. Also called: Inherited retinal dystrophy. Identifiers: Orphanet 71862, MedGen C0854723, MeSH D058499, MONDO:0019118, HP:0000556.
Optic atrophy. Identifiers: MedGen C0029124, MONDO:0003608, HP:0000648.

Allele frequency attached by ClinVar (database versions not stated): ExAC 0.00002; gnomAD exomes 0.00003 and 0.00004; TOPMed 0.00003; gnomAD 0.00005 and 0.00006.

Submissions (4):

Labcorp Genetics (formerly Invitae), Labcorp
Classification: Uncertain significance. Last evaluated: 2025-12-15. Review status: criteria provided, single submitter. Criteria: Invitae Variant Classification Sherloc (09022015). Collection method: clinical testing. Allele origin: germline.
Comment: This sequence change replaces proline, which is neutral and non-polar, with leucine, which is neutral and non-polar, at codon 224 of the ROM1 protein (p.Pro224Leu). This variant is present in population databases (rs781488213, gnomAD 0.01%). This missense change has been observed in individual(s) with clinical features of retinitis pigmentosa and Stargardt disease (PMID: 28912962, 35353811). ClinVar contains an entry for this variant (Variation ID: 939245). Invitae Evidence Modeling of protein sequence and biophysical properties (such as structural, functional, and spatial information, amino acid conservation, physicochemical variation, residue mobility, and thermodynamic stability) indicates that this missense variant is not expected to disrupt ROM1 protein function with a negative predictive value of 80%. In summary, the available evidence is currently insufficient to determine the role of this variant in disease. Therefore, it has been classified as a Variant of Uncertain Significance.

Blueprint Genetics
Classification: Uncertain significance. Last evaluated: 2024-11-06. Review status: criteria provided, single submitter. Criteria: ACMG Guidelines, 2015. Collection method: clinical testing. Allele origin: germline.

Institute of Human Genetics, Univ. Regensburg, Univ. Regensburg
Classification: Uncertain significance for Optic atrophy. Last evaluated: 2022-01-01. Review status: criteria provided, single submitter. Criteria: ACMG Guidelines, 2015. Collection method: clinical testing. Allele origin: germline. Affected: yes.

Institute of Human Genetics, Univ. Regensburg, Univ. Regensburg
Classification: Uncertain significance for Retinal dystrophy. Last evaluated: 2022-01-01. Review status: criteria provided, single submitter. Criteria: ACMG Guidelines, 2015. Collection method: clinical testing. Allele origin: germline. Affected: yes.

Literature cited by the submitters: PubMed 28912962 (cited by Labcorp Genetics (formerly Invitae), Labcorp and Institute of Human Genetics, Univ. Regensburg, Univ. Regensburg); PubMed 35353811 (cited by Labcorp Genetics (formerly Invitae), Labcorp and Institute of Human Genetics, Univ. Regensburg, Univ. Regensburg); PubMed 30820151 (cited by Institute of Human Genetics, Univ. Regensburg, Univ. Regensburg); PubMed 34426522 (cited by Institute of Human Genetics, Univ. Regensburg, Univ. Regensburg).